The following is an entry in ClinVar:

NM_052947.4(ALPK2):c.4607C>T (p.Ser1536Phe)

Genes: ALPK2 (alpha kinase 2; minus strand), LOC126862764 (BRD4-independent group 4 enhancer GRCh37_chr18:56202574-56203773; plus strand). Cytogenetic location: 18q21.31.
Variant type: single nucleotide variant.
Coding change: c.4607C>T on transcript NM_052947.4 (MANE Select); coding-DNA position 4607, C replaced by T.
Protein change: p.Ser1536Phe; replaces serine 1536 with phenylalanine.
Molecular consequence: missense variant.
Genome position (GRCh38, 1-based): chr18:58,535,580, G>A on the plus strand (C>T on the coding strand, the complement: ALPK2 is on the minus strand). VCF-style: chr18-58535580-G-A. GRCh37 (hg19) VCF-style: chr18-56202812-G-A.
Other names: short protein forms S1536F.
Identifiers: ClinVar variation 2497252 (VCV002497252.2), dbSNP rs772550142, ClinGen allele CA8976672.

ClinVar aggregate classification (germline): Uncertain significance (1 of 4 stars; one submission).

Allele frequency attached by ClinVar (database versions not stated): ExAC 0.00001; gnomAD exomes 0.00001.
gnomAD v4.1: 8 of 1,614,188 alleles (0.0005%); highest among the groups gnomAD compares: Non-Finnish European, 0.00068%; no homozygotes.

Submission:

Ambry Genetics
Classification: Uncertain significance. Last evaluated: 2022-12-05. Review status: criteria provided, single submitter. Criteria: Ambry Variant Classification Scheme 2023. Collection method: clinical testing. Allele origin: germline.
Comment: The p.S1536F variant (also known as c.4607C>T), located in coding exon 4 of the ALPK2 gene, results from a C to T substitution at nucleotide position 4607. The serine at codon 1536 is replaced by phenylalanine, an amino acid with highly dissimilar properties. This amino acid position is conserved. In addition, this alteration is predicted to be tolerated by in silico analysis. Since supporting evidence is limited at this time, the clinical significance of this alteration remains unclear.